The following is an entry in ClinVar:

NM_000093.5(COL5A1):c.3345G>C (p.Pro1115=)

Gene: COL5A1 (collagen type V alpha 1 chain; plus strand). Cytogenetic location: 9q34.3.
Variant type: single nucleotide variant.
Coding change: c.3345G>C on transcript NM_000093.5 (MANE Select); coding-DNA position 3345, G replaced by C.
Protein change: p.Pro1115=; no amino-acid change (proline 1115 retained).
Molecular consequence: synonymous variant.
Genome position (GRCh38, 1-based): chr9:134,806,275, G>C. VCF-style: chr9-134806275-G-C. GRCh37 (hg19) VCF-style: chr9-137698121-G-C.
Other names: c.3345G>C, p.Pro1115= (NM_001278074.1).
Identifiers: ClinVar variation 4853387 (VCV004853387.1).

ClinVar aggregate classification (germline): Likely benign (1 of 4 stars; one submission).

Submission:

Women's Health and Genetics/Laboratory Corporation of America, LabCorp
Classification: Likely benign. Last evaluated: 2026-05-28. Review status: criteria provided, single submitter. Criteria: LabCorp Variant Classification Summary - May 2015. Collection method: clinical testing. Allele origin: germline.
Comment: Variant summary: COL5A1 c.3345G>C alters a conserved nucleotide resulting in a synonymous change. Consensus agreement among computation tools predict no significant impact on normal splicing. However, these predictions have yet to be confirmed by functional studies. The variant was absent in 153658 control chromosomes. The available data on variant occurrences in the general population are insufficient to allow any conclusion about variant significance. To our knowledge, no occurrence of c.3345G>C in individuals affected with COL5A1-related conditions and no experimental evidence demonstrating its impact on protein function have been reported. No submitters have cited clinical-significance assessments for this variant to ClinVar. Based on the evidence outlined above, the variant was classified as likely benign.